The following is an entry in ClinVar:

ClinVar aggregate classification (germline): Uncertain significance. Review status: criteria provided, multiple submitters, no conflicts (2 of 4 stars). 2 submissions from 2 submitters: Uncertain significance (2). Last evaluated 2025-12-15.

Conditions:
Cardiovascular phenotype. Identifiers: MedGen CN230736.
Primary dilated cardiomyopathy (DCM). Also called: Dilated Cardiomyopathy. Identifiers: Orphanet 217604, MedGen C0007193, MeSH D002311, MONDO:0005021, HP:0001644. Inheritance: Various modes of inheritance.

Allele frequency attached by ClinVar (database versions not stated): gnomAD 0.00001; TOPMed 0.00002; ESP Exome Variant Server 0.00016.
gnomAD v4.1: 81 of 1,613,500 alleles (0.005%); highest among the groups gnomAD compares: Non-Finnish European, 0.0067%; no homozygotes.

Submissions (2):

Labcorp Genetics (formerly Invitae), Labcorp
Classification: Uncertain significance for Primary dilated cardiomyopathy. Last evaluated: 2025-12-15. Review status: criteria provided, single submitter. Criteria: Invitae Variant Classification Sherloc (09022015). Collection method: clinical testing. Allele origin: germline.
Comment: This sequence change replaces histidine, which is basic and polar, with proline, which is neutral and non-polar, at codon 430 of the TXNRD2 protein (p.His430Pro). This variant is present in population databases (rs376463546, gnomAD 0.007%). This variant has not been reported in the literature in individuals affected with TXNRD2-related conditions. ClinVar contains an entry for this variant (Variation ID: 518988). Invitae Evidence Modeling of protein sequence and biophysical properties (such as structural, functional, and spatial information, amino acid conservation, physicochemical variation, residue mobility, and thermodynamic stability) indicates that this missense variant is not expected to disrupt TXNRD2 protein function with a negative predictive value of 80%. In summary, the available evidence is currently insufficient to determine the role of this variant in disease. Therefore, it has been classified as a Variant of Uncertain Significance.

Ambry Genetics
Classification: Uncertain significance for Cardiovascular phenotype. Last evaluated: 2025-08-24. Review status: criteria provided, single submitter. Criteria: Ambry Variant Classification Scheme 2023. Collection method: clinical testing. Allele origin: germline.
Comment: The p.H430P variant (also known as c.1289A>C), located in coding exon 15 of the TXNRD2 gene, results from an A to C substitution at nucleotide position 1289. The histidine at codon 430 is replaced by proline, an amino acid with some similar properties. This amino acid position is poorly conserved in available vertebrate species. In addition, the in silico prediction for this alteration is inconclusive. Since supporting evidence is limited at this time, the clinical significance of this alteration remains unclear.

NM_006440.5(TXNRD2):c.1289A>C (p.His430Pro)

Gene: TXNRD2 (thioredoxin reductase 2; minus strand). Cytogenetic location: 22q11.21.
Variant type: single nucleotide variant.
Coding change: c.1289A>C on transcript NM_006440.5 (MANE Select); coding-DNA position 1289, A replaced by C.
Protein change: p.His430Pro; replaces histidine 430 with proline.
Molecular consequence: missense variant. On other transcripts: non-coding transcript variant (1).
Genome position (GRCh38, 1-based): chr22:19,878,424, T>G on the plus strand (A>C on the coding strand, the complement: TXNRD2 is on the minus strand). VCF-style: chr22-19878424-T-G. GRCh37 (hg19) VCF-style: chr22-19865947-T-G.
Other names: c.1286A>C, p.His429Pro (NM_001352300.2); c.1199A>C, p.His400Pro (NM_001352301.2); c.1001A>C, p.His334Pro (NM_001352302.2); short protein forms H430P, H400P, H334P, H429P.
Identifiers: ClinVar variation 518988 (VCV000518988.15), dbSNP rs376463546, ClinGen allele CA10103705.
Genomic context (GRCh38, chr22:19,878,424, plus strand): 5'-ACCTTTACATAACACTGGGATGCATCTCGTCCAGCCACCGTGAACTCCAGTGGTTTATAA[T>G]GGGCGTGATAGACCTGAGGACAGGATACCAACCCTGGATCAGTGCTGCGACAAACAAACC-3'
Protein context (NP_006431.2, residues 420-440): GQEHVEVYHA[His430Pro]YKPLEFTVAG